The following is an entry in ClinVar:

NM_001378477.3(NYX):c.826G>C (p.Glu276Gln)

Gene: NYX (nyctalopin; plus strand). Cytogenetic location: Xp11.4.
Variant type: single nucleotide variant.
Coding change: c.826G>C on transcript NM_001378477.3 (MANE Select); coding-DNA position 826, G replaced by C.
Protein change: p.Glu276Gln; replaces glutamic acid 276 with glutamine.
Molecular consequence: missense variant.
Genome position (GRCh38, 1-based): chrX:41,474,294, G>C. VCF-style: chrX-41474294-G-C. GRCh37 (hg19) VCF-style: chrX-41333547-G-C.
Other names: c.841G>C (NM_022567.2); c.826G>C, p.Glu276Gln (NM_022567.3); short protein forms E276Q.
Identifiers: ClinVar variation 1386916 (VCV001386916.9), dbSNP rs1012584711, ClinGen allele CA329217070.

ClinVar aggregate classification (germline): Uncertain significance. Review status: criteria provided, multiple submitters, no conflicts (2 of 4 stars). 2 submissions from 2 submitters: Uncertain significance (2). Last evaluated 2025-04-01.

Conditions:
Inborn genetic diseases. Identifiers: MedGen C0950123, MeSH D030342.

Allele frequency attached by ClinVar (database versions not stated): gnomAD 0.00001; gnomAD exomes 0.00001; TOPMed 0.00001.
gnomAD v4.1: 10 of 1,206,830 alleles (0.00083%); highest among the groups gnomAD compares: Non-Finnish European, 0.00078%; no homozygotes.

Submissions (2):

Ambry Genetics
Classification: Uncertain significance for Inborn genetic diseases. Last evaluated: 2025-04-01. Review status: criteria provided, single submitter. Criteria: Ambry Variant Classification Scheme 2023. Collection method: clinical testing. Allele origin: germline.

Labcorp Genetics (formerly Invitae), Labcorp
Classification: Uncertain significance. Last evaluated: 2022-09-27. Review status: criteria provided, single submitter. Criteria: Invitae Variant Classification Sherloc (09022015). Collection method: clinical testing. Allele origin: germline.
Comment: This sequence change replaces glutamic acid, which is acidic and polar, with glutamine, which is neutral and polar, at codon 281 of the NYX protein (p.Glu281Gln). ClinVar contains an entry for this variant (Variation ID: 1386916). This variant has not been reported in the literature in individuals affected with NYX-related conditions. This variant is present in population databases (no rsID available, gnomAD 0.001%). In summary, the available evidence is currently insufficient to determine the role of this variant in disease. Therefore, it has been classified as a Variant of Uncertain Significance. Advanced modeling of protein sequence and biophysical properties (such as structural, functional, and spatial information, amino acid conservation, physicochemical variation, residue mobility, and thermodynamic stability) performed at Invitae indicates that this missense variant is not expected to disrupt NYX protein function.